The following is an entry in ClinVar:

ClinVar aggregate classification (germline): Pathogenic. Review status: criteria provided, multiple submitters, no conflicts (2 of 4 stars). 3 submissions from 3 submitters: Pathogenic (2). 1 of the submissions does not count toward it. Last evaluated 2023-11-27.

Conditions:
Severe combined immunodeficiency due to IKK2 deficiency. Also called: IMMUNODEFICIENCY 15B; Immunodeficiency 15. Identifiers: Orphanet 397787, MedGen C4747743, MONDO:0014267, OMIM 615592.
Immunodeficiency 15a. Identifiers: Orphanet 700205, MedGen C4748694, MONDO:0032599, OMIM 618204.

Submissions (3):

Labcorp Genetics (formerly Invitae), Labcorp
Classification: Pathogenic for Severe combined immunodeficiency due to IKK2 deficiency. Last evaluated: 2023-11-27. Review status: criteria provided, single submitter. Criteria: Invitae Variant Classification Sherloc (09022015). Collection method: clinical testing. Allele origin: germline.
Comment: This sequence change replaces valine, which is neutral and non-polar, with isoleucine, which is neutral and non-polar, at codon 203 of the IKBKB protein (p.Val203Ile). This variant is not present in population databases (gnomAD no frequency). This missense change has been observed in individual(s) with clinical features of anhidrotic ectodermodysplasia with immunodeficiency (PMID: 30337470). In at least one individual the variant was observed to be de novo. It has also been observed to segregate with disease in related individuals. ClinVar contains an entry for this variant (Variation ID: 590941). An algorithm developed to predict the effect of missense changes on protein structure and function (PolyPhen-2) suggests that this variant is likely to be disruptive. Experimental studies have shown that this missense change affects IKBKB function (PMID: 30337470). For these reasons, this variant has been classified as Pathogenic.

SIB Swiss Institute of Bioinformatics
Classification: Pathogenic for Immunodeficiency 15a. Last evaluated: 2018-12-13. Review status: criteria provided, single submitter. Criteria: ACMG Guidelines, 2015. Collection method: curation. Allele origin: unknown.
Comment: This variant is interpreted as a Pathogenic for Immunodeficiency 15A, autosomal dominant. The following ACMG Tag(s) were applied: PM2 => Absent from controls (or at extremely low frequency if recessive) in Exome Sequencing Project, 1000 Genomes Project, or Exome Aggregation Consortium. PS3 => Well-established functional studies show a deleterious effect (PMID:30337470). PP1 => Cosegregation with disease in multiple affected family members in a gene definitively known to cause the disease (PMID:30337470). PM6-Strong => PM6 upgraded in strength to Strong (PMID:30337470).

ClinGen:CA371080512

OMIM
Classification: Pathogenic for IMMUNODEFICIENCY 15A. Last evaluated: 2018-11-28. Review status: no assertion criteria provided. Collection method: literature only. Allele origin: germline. Not counted in ClinVar's aggregate classification.

Literature cited by the submitters: PubMed 30337470 (cited by 3 submitters).

NM_001556.3(IKBKB):c.607G>A (p.Val203Ile)

Gene: IKBKB (inhibitor of nuclear factor kappa B kinase subunit beta; plus strand). Cytogenetic location: 8p11.21.
Variant type: single nucleotide variant.
Coding change: c.607G>A on transcript NM_001556.3 (MANE Select); coding-DNA position 607, G replaced by A.
Protein change: p.Val203Ile; replaces valine 203 with isoleucine.
Molecular consequence: missense variant. On other transcripts: non-coding transcript variant (3).
Genome position (GRCh38, 1-based): chr8:42,308,940, G>A. VCF-style: chr8-42308940-G-A. GRCh37 (hg19) VCF-style: chr8-42166458-G-A.
Other names: c.415G>A, p.Val139Ile (NM_001190720.3); c.430G>A, p.Val144Ile (NM_001242778.2); short protein forms V203I, V144I, V139I.
Identifiers: ClinVar variation 590941 (VCV000590941.5), dbSNP rs1563340753, ClinGen allele CA371080512.